The following is an entry in ClinVar:

ClinVar aggregate classification (germline): Benign (1 of 4 stars; one submission).

Allele frequency attached by ClinVar (database versions not stated): 1000 Genomes Project 30x 0.32948; 1000 Genomes Project 0.33327; gnomAD 0.35110; TOPMed 0.35310.
gnomAD v4.1: 161,978 of 421,930 alleles (38%); highest among the groups gnomAD compares: Admixed American, 51%; 33,368 homozygotes.

Submission:

Unidad de Genómica Garrahan, Hospital de Pediatría Garrahan
Classification: Benign. Last evaluated: 2024-01-24. Review status: criteria provided, single submitter. Criteria: ACMG Guidelines, 2015. Collection method: clinical testing. Allele origin: germline. Affected: no. Observed: 22 variant alleles.
Comment: This variant is classified as Benign based on local population frequency. This variant was detected in 25% of patients studied by a panel of primary immunodeficiencies. Number of patients: 22. Only high quality variants are reported.

NM_001905.4(CTPS1):c.1006-151T>A

Gene: CTPS1 (CTP synthase 1; plus strand). Cytogenetic location: 1p34.2.
Variant type: single nucleotide variant.
Coding change: c.1006-151T>A on transcript NM_001905.4 (MANE Select); 151 bases into the intron before coding-DNA position 1006, T replaced by A.
Molecular consequence: intron variant.
Genome position (GRCh38, 1-based): chr1:41,000,878, T>A. VCF-style: chr1-41000878-T-A. GRCh37 (hg19) VCF-style: chr1-41466550-T-A.
Other names: c.538-151T>A (NM_001301237.2).
Identifiers: ClinVar variation 2688477 (VCV002688477.2), dbSNP rs12735455, ClinGen allele CA15078238.